The following is an entry in ClinVar:

GRCh37/hg19 22q11.21(chr22:18644542-21465659)x1

Genes: AIFM3 (AIF family member 3; plus strand), ARVCF (ARVCF delta catenin family member; minus strand), C22orf39 (chromosome 22 open reading frame 39; minus strand), CDC45 (cell division cycle 45; plus strand), CLDN5 (claudin 5; minus strand) and 43 more. Cytogenetic location: 22q11.21.
Variant type: copy number loss.
Change: copy number 1 (one copy instead of two) of chr22:18,644,542-21,465,659 (2.82 Mb, GRCh37 coordinates, 1-based), cytogenetic band 22q11.21.
Identifiers: ClinVar variation 565038 (VCV000565038.6).

ClinVar aggregate classification (germline): Pathogenic (1 of 4 stars; one submission).

Submission:

Quest Diagnostics Nichols Institute San Juan Capistrano
Classification: Pathogenic. Last evaluated: 2025-06-17. Review status: criteria provided, single submitter. Criteria: ACMG/ClinGen CNV Guidelines, 2019. Collection method: clinical testing. Allele origin: unknown.
Comment: This deletion involves at least 48 protein-coding genes, including TBX1 (OMIM 602054). This recurrent 22q11.2 deletion, extending from low copy number repeats (LCRs) A to D, is consistent with the 22q11.2 microdeletion syndrome (ISCA-37446). This syndrome has been referred to as velocardiofacial syndrome (OMIM 192430), and also historically as DiGeorge syndrome (OMIM 188400). Features of this syndrome are highly variable, even within families. Thus, this CNV is classified as pathogenic. References: McDonald-McGinn et al., GeneReviews [2024 May 9]. PMID: 20301696